The following is an entry in ClinVar:

NM_138370.3(PKDCC):c.290_320del (p.Leu97fs)

Gene: PKDCC (protein kinase domain containing, cytoplasmic; plus strand). Cytogenetic location: 2p21.
Variant type: Deletion.
Coding change: c.290_320del on transcript NM_138370.3 (MANE Select); coding-DNA positions 290 to 320, 31 bases deleted.
Protein change: p.Leu97fs; shifts the reading frame from leucine 97.
Molecular consequence: frameshift variant.
Genome position (GRCh38, 1-based): chr2:42,048,489-42,048,519, 31 bases deleted; deleting any 31 consecutive bases within chr2:42,048,479-42,048,519 gives the same sequence; the c. name uses the placement nearest the transcript's 3' end. GRCh37 (hg19): chr2:42,275,629-42,275,659.
Other names: c.290_320del31 (NM_138370.3); short protein forms L97fs.
Identifiers: ClinVar variation 1722583 (VCV001722583.29), dbSNP rs1667907522, ClinGen allele CA1029815755.

ClinVar aggregate classification (germline): Likely pathogenic. Review status: criteria provided, single submitter (1 of 4 stars). 2 submissions from 2 submitters: Likely pathogenic (1). 1 of the submissions does not count toward it. Last evaluated 2022-11-02.

Conditions:
Rhizomelic limb shortening with dysmorphic features. Identifiers: MedGen C5394173, MONDO:0032935, OMIM 618821.

Submissions (2):

GeneDx
Classification: Likely pathogenic. Last evaluated: 2022-11-02. Review status: criteria provided, single submitter. Criteria: GeneDx Variant Classification Process June 2021. Collection method: clinical testing. Allele origin: germline. Affected: yes.
Comment: Frameshift variant predicted to result in protein truncation or nonsense mediated decay in a gene for which loss of function is a known mechanism of disease; Not observed at significant frequency in large population cohorts (gnomAD); Has not been previously published as pathogenic or benign to our knowledge

OMIM
Classification: Pathogenic for RHIZOMELIC LIMB SHORTENING WITH DYSMORPHIC FEATURES. Last evaluated: 2023-04-25. Review status: no assertion criteria provided. Collection method: literature only. Allele origin: germline. Not counted in ClinVar's aggregate classification.

Literature cited by the submitters: PubMed 36896672 (cited by OMIM).